The following is an entry in ClinVar:

NM_138694.4(PKHD1):c.9945del (p.Met3316fs)

Gene: PKHD1 (PKHD1 ciliary IPT domain containing fibrocystin/polyductin; minus strand). Cytogenetic location: 6p12.3.
Variant type: Deletion.
Coding change: c.9945del on transcript NM_138694.4 (MANE Select); coding-DNA position 9945, one base deleted (G; older notation c.9945delG).
Protein change: p.Met3316fs; shifts the reading frame from methionine 3316.
Molecular consequence: frameshift variant.
Genome position (GRCh38, 1-based): chr6:51,746,774, C deleted on the plus strand (G on the coding strand, the reverse complement: PKHD1 is on the minus strand); the first of 2 consecutive C bases (chr6:51,746,774-51,746,775); deleting either gives the same sequence. VCF-style (leftmost placement, unchanged base first): chr6-51746773-TC-T. GRCh37 (hg19) VCF-style: chr6-51611571-TC-T.
Other names: c.9945del, p.Met3316fs (NM_170724.3); short protein forms M3316fs.
Identifiers: ClinVar variation 2702937 (VCV002702937.5), dbSNP rs2533776716, ClinGen allele CA2697553460.

ClinVar aggregate classification (germline): Pathogenic/Likely pathogenic. Review status: criteria provided, multiple submitters, no conflicts (2 of 4 stars). 2 submissions from 2 submitters: Pathogenic (1); Likely pathogenic (1). Last evaluated 2023-12-13.

Conditions:
Polycystic kidney disease 4 (PKD4). Also called: Autosomal Recessive Polycystic Kidney Disease – PKHD1; POLYCYSTIC KIDNEY DISEASE 4 WITH OR WITHOUT POLYCYSTIC LIVER DISEASE; POLYCYSTIC KIDNEY AND HEPATIC DISEASE 1; POLYCYSTIC KIDNEY DISEASE, INFANTILE, TYPE I; PKD3. Identifiers: MedGen C4540575, MONDO:0033004, OMIM 263200.
Autosomal recessive polycystic kidney disease (ARPKD). Also called: AR polycystic kidney disease. Identifiers: Orphanet 731, Orphanet 8378, MedGen C0085548, MeSH D017044, MONDO:0009889.

Submissions (2):

Labcorp Genetics (formerly Invitae), Labcorp
Classification: Pathogenic for Autosomal recessive polycystic kidney disease. Last evaluated: 2023-12-13. Review status: criteria provided, single submitter. Criteria: Invitae Variant Classification Sherloc (09022015). Collection method: clinical testing. Allele origin: germline.
Comment: This sequence change creates a premature translational stop signal (p.Met3316Cysfs*2) in the PKHD1 gene. It is expected to result in an absent or disrupted protein product. Loss-of-function variants in PKHD1 are known to be pathogenic (PMID: 19940839). This variant is not present in population databases (gnomAD no frequency). This variant has not been reported in the literature in individuals affected with PKHD1-related conditions. For these reasons, this variant has been classified as Pathogenic.

Juno Genomics, Hangzhou Juno Genomics, Inc
Classification: Likely pathogenic for Polycystic kidney disease 4. Review status: criteria provided, single submitter. Criteria: ACMG Guidelines, 2015. Collection method: clinical testing. Allele origin: germline.
Comment: Absent from controls (or at extremely low frequency if recessive) in Genome Aggregation Database.;Null variant in a gene where loss of function (LOF) is a known mechanism of disease.

Literature cited by the submitters: PubMed 19940839 (cited by Labcorp Genetics (formerly Invitae), Labcorp).